The following is an entry in ClinVar:

ClinVar aggregate classification (germline): Uncertain significance (1 of 4 stars; one submission).

Submission:

Ambry Genetics
Classification: Uncertain significance. Last evaluated: 2022-03-03. Review status: criteria provided, single submitter. Criteria: Ambry Variant Classification Scheme 2023. Collection method: clinical testing. Allele origin: germline.
Comment: The p.G1194D variant (also known as c.3581G>A), located in coding exon 17 of the NPAT gene, results from a G to A substitution at nucleotide position 3581. The glycine at codon 1194 is replaced by aspartic acid, an amino acid with similar properties. This amino acid position is conserved. In addition, this alteration is predicted to be tolerated by in silico analysis. Since supporting evidence is limited at this time, the clinical significance of this alteration remains unclear.

NM_002519.3(NPAT):c.3581G>A (p.Gly1194Asp)

Gene: NPAT (nuclear protein, coactivator of histone transcription; minus strand). Cytogenetic location: 11q22.3.
Variant type: single nucleotide variant.
Coding change: c.3581G>A on transcript NM_002519.3 (MANE Select); coding-DNA position 3581, G replaced by A.
Protein change: p.Gly1194Asp; replaces glycine 1194 with aspartic acid.
Molecular consequence: missense variant.
Genome position (GRCh38, 1-based): chr11:108,161,505, C>T on the plus strand (G>A on the coding strand, the complement: NPAT is on the minus strand). VCF-style: chr11-108161505-C-T. GRCh37 (hg19) VCF-style: chr11-108032232-C-T.
Other names: c.3602G>A, p.Gly1201Asp (NM_001321307.1); short protein forms G1194D, G1201D.
Identifiers: ClinVar variation 1732904 (VCV001732904.2), dbSNP rs768854925, ClinGen allele CA382510488.